The following is an entry in ClinVar:

ClinVar aggregate classification (germline): Pathogenic (1 of 4 stars; one submission).

Submission:

GeneDx
Classification: Pathogenic. Last evaluated: 2022-10-18. Review status: criteria provided, single submitter. Criteria: GeneDx Variant Classification Process June 2021. Collection method: clinical testing. Allele origin: germline. Affected: yes.
Comment: Identified in the heterozygous state in 22 children from a cohort of individuals with FLG variants, some of which presented with atopic dermatitis (Looman et al., 2021); Frameshift variant predicted to result in protein truncation, as the last 2977 amino acids are replaced with 35 different amino acids, and other loss-of-function variants have been reported downstream in HGMD; Not observed at significant frequency in large population cohorts (gnomAD); This variant is associated with the following publications: (PMID: 16444271, 33715246)

NM_002016.2(FLG):c.3254_3257del (p.Ser1085fs)

Genes: FLG (filaggrin; minus strand), FLG-AS1 (FLG antisense RNA 1; plus strand). Cytogenetic location: 1q21.3.
Variant type: Microsatellite.
Coding change: c.3254_3257del on transcript NM_002016.2 (MANE Select); coding-DNA positions 3254 to 3257, 4 bases deleted (CAGT; older notation c.3254_3257delCAGT).
Protein change: p.Ser1085fs; shifts the reading frame from serine 1085.
Molecular consequence: frameshift variant.
Genome position (GRCh38, 1-based): chr1:152,311,629-152,311,632, ACTG deleted on the plus strand (CAGT on the coding strand, the reverse complement: FLG is on the minus strand); deleting any 4 consecutive bases within chr1:152,311,629-152,311,636 gives the same sequence; the c. name uses the placement nearest the transcript's 3' end. VCF-style (leftmost placement, unchanged base first): chr1-152311628-CACTG-C. GRCh37 (hg19) VCF-style: chr1-152284104-CACTG-C.
Other names: c.3254_3257delCAGT (NM_002016.1); short protein forms S1085fs.
Identifiers: ClinVar variation 50928 (VCV000050928.4), dbSNP rs41370446, ClinGen allele CA1106758.